The following is an entry in ClinVar:

NM_152703.5(SAMD9L):c.2066G>A (p.Arg689Gln)

Gene: SAMD9L (sterile alpha motif domain containing 9 like; minus strand). Cytogenetic location: 7q21.2.
Variant type: single nucleotide variant.
Coding change: c.2066G>A on transcript NM_152703.5 (MANE Select); coding-DNA position 2066, G replaced by A.
Protein change: p.Arg689Gln; replaces arginine 689 with glutamine.
Molecular consequence: missense variant.
Genome position (GRCh38, 1-based): chr7:93,133,906, C>T on the plus strand (G>A on the coding strand, the complement: SAMD9L is on the minus strand). VCF-style: chr7-93133906-C-T. GRCh37 (hg19) VCF-style: chr7-92763219-C-T.
Other names: c.2066G>A, p.Arg689Gln (NM_001303496.3, NM_001303497.3, NM_001303498.3 and 5 more transcripts); short protein forms R689Q.
Identifiers: ClinVar variation 4159266 (VCV004159266.1).
Genomic context (GRCh38, chr7:93,133,906, plus strand): 5'-AAATCTGAAGAATAGTTTTCAGAAGAAAAATAGAAGTTCCACCAGGATACTTTGCCACCT[C>T]GATAAAAGTGTTCTTCTTTTGATTTCTTAAACTCCAGGAATTTAGATTTGTCTTTCTCGA-3'
Protein context (NP_689916.2, residues 679-699): FKKSKEEHFY[Arg689Gln]GGKVSWWNFY

ClinVar aggregate classification (germline): Uncertain significance (1 of 4 stars; one submission).

Conditions:
Inborn genetic diseases. Identifiers: MedGen C0950123, MeSH D030342.

Submission:

Ambry Genetics
Classification: Uncertain significance for Inborn genetic diseases. Last evaluated: 2025-06-24. Review status: criteria provided, single submitter. Criteria: Ambry Variant Classification Scheme 2023. Collection method: clinical testing. Allele origin: germline.
Comment: The p.R689Q variant (also known as c.2066G>A), located in coding exon 1 of the SAMD9L gene, results from a G to A substitution at nucleotide position 2066. The arginine at codon 689 is replaced by glutamine, an amino acid with highly similar properties. This amino acid position is conserved. In addition, the in silico prediction for this alteration is inconclusive. Based on the available evidence, the clinical significance of this variant remains unclear.